The following is an entry in ClinVar:

ClinVar aggregate classification (germline): Uncertain significance (1 of 4 stars; one submission).

Conditions:
Hereditary spastic paraplegia 56. Also called: SPASTIC PARAPLEGIA 56, AUTOSOMAL RECESSIVE, WITH OR WITHOUT PSEUDOXANTHOMA ELASTICUM; Spastic Paraplegia 56; Spastic paraplegia 56, autosomal recessive. Identifiers: Orphanet 320411, MedGen C3539507, MONDO:0014015, OMIM 615030.

Submission:

Juno Genomics, Hangzhou Juno Genomics, Inc
Classification: Uncertain significance for Hereditary spastic paraplegia 56. Review status: criteria provided, single submitter. Criteria: ACMG Guidelines, 2015. Collection method: clinical testing. Allele origin: germline.
Comment: Absent from controls (or at extremely low frequency if recessive) in Genome Aggregation Database.;Patient's phenotype or family history is highly specific for a disease with a single genetic etiology.

NM_183075.3(CYP2U1):c.179C>G (p.Pro60Arg)

Genes: CYP2U1 (cytochrome P450 family 2 subfamily U member 1; plus strand), CYP2U1-AS1 (CYP2U1 and SGMS2 antisense RNA 1; minus strand). Cytogenetic location: 4q25.
Variant type: single nucleotide variant.
Coding change: c.179C>G on transcript NM_183075.3 (MANE Select); coding-DNA position 179, C replaced by G.
Protein change: p.Pro60Arg; replaces proline 60 with arginine.
Molecular consequence: missense variant.
Genome position (GRCh38, 1-based): chr4:107,931,822, C>G. VCF-style: chr4-107931822-C-G. GRCh37 (hg19) VCF-style: chr4-108852978-C-G.
Other names: short protein forms P60R.
Identifiers: ClinVar variation 5019321 (VCV005019321.2).